The following is an entry in ClinVar:

ClinVar aggregate classification (germline): Conflicting classifications of pathogenicity. Review status: criteria provided, conflicting classifications (1 of 4 stars). 4 submissions from 4 submitters: Uncertain significance (1); Likely benign (2). 1 of the submissions does not count toward it. Last evaluated 2026-01-28.

Conditions:
Methylmalonic aciduria due to methylmalonyl-CoA mutase deficiency (MAMM). Also called: Methylmalonic aciduria, mut type. Identifiers: Orphanet 27, MedGen C1855114, MONDO:0009612, OMIM 251000.
Methylmalonic aciduria due to complete methylmalonyl-CoA mutase deficiency.

Allele frequency attached by ClinVar (database versions not stated): gnomAD exomes below 0.00001; TOPMed below 0.00001; ExAC 0.00001.

Submissions (4):

Labcorp Genetics (formerly Invitae), Labcorp
Classification: Likely benign. Last evaluated: 2026-01-28. Review status: criteria provided, single submitter. Criteria: Invitae Variant Classification Sherloc (09022015). Collection method: clinical testing. Allele origin: germline.

Illumina Laboratory Services, Illumina
Classification: Uncertain significance for Methylmalonic aciduria due to methylmalonyl-CoA mutase deficiency. Last evaluated: 2018-01-13. Review status: criteria provided, single submitter. Criteria: ICSL Variant Classification Criteria 13 December 2019. Collection method: clinical testing. Allele origin: germline.

GeneDx
Classification: Likely benign. Last evaluated: 2017-12-11. Review status: criteria provided, single submitter. Criteria: GeneDx Variant Classification (06012015). Collection method: clinical testing. Allele origin: germline. Affected: yes.
Comment: This variant is considered likely benign or benign based on one or more of the following criteria: it is a conservative change, it occurs at a poorly conserved position in the protein, it is predicted to be benign by multiple in silico algorithms, and/or has population frequency not consistent with disease.

Natera, Inc.
Classification: Likely benign for Methylmalonic aciduria due to complete methylmalonyl-CoA mutase deficiency. Last evaluated: 2020-02-19. Review status: no assertion criteria provided. Collection method: clinical testing. Allele origin: germline. Not counted in ClinVar's aggregate classification.

NM_000255.4(MMUT):c.1515T>C (p.Ile505=)

Gene: MMUT (methylmalonyl-CoA mutase; minus strand). Cytogenetic location: 6p12.3.
Variant type: single nucleotide variant.
Coding change: c.1515T>C on transcript NM_000255.4 (MANE Select); coding-DNA position 1515, T replaced by C.
Protein change: p.Ile505=; no amino-acid change (isoleucine 505 retained).
Molecular consequence: synonymous variant.
Genome position (GRCh38, 1-based): chr6:49,447,715, A>G on the plus strand (T>C on the coding strand, the complement: MMUT is on the minus strand). VCF-style: chr6-49447715-A-G. GRCh37 (hg19) VCF-style: chr6-49415428-A-G.
Identifiers: ClinVar variation 357259 (VCV000357259.16), dbSNP rs772936850, ClinGen allele CA3846857.